The following is an entry in ClinVar:

NM_002296.4(LBR):c.313G>C (p.Asp105His)

Gene: LBR (lamin B receptor; minus strand). Cytogenetic location: 1q42.12.
Variant type: single nucleotide variant.
Coding change: c.313G>C on transcript NM_002296.4 (MANE Select); coding-DNA position 313, G replaced by C.
Protein change: p.Asp105His; replaces aspartic acid 105 with histidine.
Molecular consequence: missense variant.
Genome position (GRCh38, 1-based): chr1:225,422,130, C>G on the plus strand (G>C on the coding strand, the complement: LBR is on the minus strand). VCF-style: chr1-225422130-C-G. GRCh37 (hg19) VCF-style: chr1-225609832-C-G.
Other names: c.313G>C, p.Asp105His (NM_194442.3); short protein forms D105H.
Identifiers: ClinVar variation 5020867 (VCV005020867.1).
Genomic context (GRCh38, chr1:225,422,130, plus strand): 5'-CAAGTACCAGAATCAGCGGAGTCAATTTAACTTCCACTTCCCTCCTTGCTTCCTTAATGT[C>G]GGCCTGGTGGGAAGCAGAAGCAGATCGGCGGGCACTTTTAGGTGGTCGACCAGGGGATCG-3'
Protein context (NP_002287.2, residues 95-115): RRSASASHQA[Asp105His]IKEARREVEV

ClinVar aggregate classification (germline): Uncertain significance (1 of 4 stars; one submission).

Submission:

Dasa
Classification: Uncertain significance. Last evaluated: 2025-09-10. Review status: criteria provided, single submitter. Criteria: DASA Assertion Criteria. Collection method: clinical testing. Allele origin: germline.
Comment: NM_002296.4(LBR):c.313G>C (p.Asp105His) is a missense variant that results in the substitution of aspartic acid with histidine. This variant is absent from population databases. Computational prediction algorithms are consistent with a benign effect. The currently available literature and clinical evidence are not sufficient to establish a definitive association between this variant and the reported condition. Therefore, this variant is classified as a variant of uncertain significance.